The following is an entry in ClinVar:

NM_001130823.3(DNMT1):c.3294C>T (p.Arg1098=)

Gene: DNMT1 (DNA methyltransferase 1; minus strand). Cytogenetic location: 19p13.2.
Variant type: single nucleotide variant.
Coding change: c.3294C>T on transcript NM_001130823.3 (MANE Select); coding-DNA position 3294, C replaced by T.
Protein change: p.Arg1098=; no amino-acid change (arginine 1098 retained).
Molecular consequence: synonymous variant.
Genome position (GRCh38, 1-based): chr19:10,142,043, G>A on the plus strand (C>T on the coding strand, the complement: DNMT1 is on the minus strand). VCF-style: chr19-10142043-G-A. GRCh37 (hg19) VCF-style: chr19-10252719-G-A.
Other names: c.3246C>T, p.Arg1082= (NM_001318730.2, NM_001379.4); c.2931C>T, p.Arg977= (NM_001318731.2); c.3294C>T (NM_001130823.1).
Identifiers: ClinVar variation 1562239 (VCV001562239.10), dbSNP rs775786809, ClinGen allele CA9187797.

ClinVar aggregate classification (germline): Conflicting classifications of pathogenicity. Review status: criteria provided, conflicting classifications (1 of 4 stars). 2 submissions from 2 submitters: Uncertain significance (1); Likely benign (1). Last evaluated 2025-08-07.

Conditions:
Hereditary sensory neuropathy-deafness-dementia syndrome. Also called: Hereditary sensory neuropathy type IE; HSN IE; NEUROPATHY, HEREDITARY SENSORY, WITH HEARING LOSS AND DEMENTIA; Hereditary Sensory and Autonomic Neuropathy Type 1E (HSAN1E). Identifiers: Orphanet 456318, MedGen C3279885, MONDO:0013584, OMIM 614116.

Allele frequency attached by ClinVar (database versions not stated): ExAC 0.00004; TOPMed below 0.00001.
gnomAD v4.1: 12 of 1,612,382 alleles (0.00074%); highest among the groups gnomAD compares: Non-Finnish European, 0.001%; no homozygotes.

Submissions (2):

GeneDx
Classification: Uncertain significance. Last evaluated: 2025-08-07. Review status: criteria provided, single submitter. Criteria: GeneDx Variant Classification Process June 2021. Collection method: clinical testing. Allele origin: germline.
Comment: Has not been previously published as pathogenic or benign to our knowledge; In silico analysis suggests that this variant does not alter splicing

Labcorp Genetics (formerly Invitae), Labcorp
Classification: Likely benign for Hereditary sensory neuropathy-deafness-dementia syndrome. Last evaluated: 2023-07-17. Review status: criteria provided, single submitter. Criteria: Invitae Variant Classification Sherloc (09022015). Collection method: clinical testing. Allele origin: germline.